The following is an entry in ClinVar:

ClinVar aggregate classification (germline): Pathogenic (1 of 4 stars; one submission).

Conditions:
Retinitis pigmentosa 26 (RP26). Identifiers: Orphanet 791, MedGen C1842127, MONDO:0012024, OMIM 608380.

Submission:

Myriad Genetics, Inc.
Classification: Pathogenic for Retinitis pigmentosa 26. Last evaluated: 2026-09-02. Review status: criteria provided, single submitter. Criteria: Myriad Autosomal Dominant, Autosomal Recessive and X-Linked Classification Criteria (2023). Collection method: clinical testing. Allele origin: unknown.
Comment: NM_001030311.2(CERKL):c.1534G>T(E512*) is a nonsense variant classified as pathogenic in the context of retinitis pigmentosa, CERKL-related. E512* has not been observed in cases with relevant disease. Relevant functional assessments of this variant are not available in the literature. E512* has not been observed in referenced population frequency databases. In summary, NM_001030311.2(CERKL):c.1534G>T(E512*) is a nonsense variant in a gene where loss of function is a known mechanism of disease and is predicted to disrupt protein function. Please note: this variant was assessed in the context of healthy population screening.

NM_201548.5(CERKL):c.1456G>T (p.Glu486Ter)

Gene: CERKL (CERK like autophagy regulator; minus strand). Cytogenetic location: 2q31.3.
Variant type: single nucleotide variant.
Coding change: c.1456G>T on transcript NM_201548.5 (MANE Select); coding-DNA position 1456, G replaced by T.
Protein change: p.Glu486Ter; replaces glutamic acid 486 with a stop codon.
Molecular consequence: nonsense. On other transcripts: non-coding transcript variant (2).
Genome position (GRCh38, 1-based): chr2:181,539,174, C>A on the plus strand (G>T on the coding strand, the complement: CERKL is on the minus strand). VCF-style: chr2-181539174-C-A. GRCh37 (hg19) VCF-style: chr2-182403901-C-A.
Other names: c.1534G>T, p.Glu512Ter (NM_001030311.3); c.1117G>T, p.Glu373Ter (NM_001030312.3); c.1249G>T, p.Glu417Ter (NM_001030313.3); c.1402G>T, p.Glu468Ter (NM_001160277.2); short protein forms E512*, E417*, E373*, E468*, E486*.
Identifiers: ClinVar variation 5004881 (VCV005004881.1).